The following is an entry in ClinVar:

ClinVar aggregate classification (germline): Uncertain significance (1 of 4 stars; one submission).

Conditions:
Primary ciliary dyskinesia. Also called: Ciliary dyskinesia. Identifiers: Orphanet 244, MedGen C0008780, MONDO:0016575, HP:0012265.

Allele frequency attached by ClinVar (database versions not stated): ExAC 0.00001; gnomAD exomes 0.00001.
gnomAD v4.1: 8 of 1,613,776 alleles (0.0005%); highest among the groups gnomAD compares: South Asian, 0.0088%; no homozygotes.

Submission:

Labcorp Genetics (formerly Invitae), Labcorp
Classification: Uncertain significance for Primary ciliary dyskinesia. Last evaluated: 2022-10-19. Review status: criteria provided, single submitter. Criteria: Invitae Variant Classification Sherloc (09022015). Collection method: clinical testing. Allele origin: germline.
Comment: In summary, the available evidence is currently insufficient to determine the role of this variant in disease. Therefore, it has been classified as a Variant of Uncertain Significance. Advanced modeling of protein sequence and biophysical properties (such as structural, functional, and spatial information, amino acid conservation, physicochemical variation, residue mobility, and thermodynamic stability) performed at Invitae indicates that this missense variant is expected to disrupt DNAAF5 protein function. This variant has not been reported in the literature in individuals affected with DNAAF5-related conditions. This variant is present in population databases (rs781605077, gnomAD 0.003%). This sequence change replaces histidine, which is basic and polar, with arginine, which is basic and polar, at codon 389 of the DNAAF5 protein (p.His389Arg).

NM_017802.4(DNAAF5):c.1166A>G (p.His389Arg)

Gene: DNAAF5 (dynein axonemal assembly factor 5; plus strand). Cytogenetic location: 7p22.3.
Variant type: single nucleotide variant.
Coding change: c.1166A>G on transcript NM_017802.4 (MANE Select); coding-DNA position 1166, A replaced by G.
Protein change: p.His389Arg; replaces histidine 389 with arginine.
Molecular consequence: missense variant. On other transcripts: non-coding transcript variant (1).
Genome position (GRCh38, 1-based): chr7:754,730, A>G. VCF-style: chr7-754730-A-G. GRCh37 (hg19) VCF-style: chr7-794367-A-G.
Other names: short protein forms H389R.
Identifiers: ClinVar variation 1721866 (VCV001721866.6), dbSNP rs781605077, ClinGen allele CA4110614.
Genomic context (GRCh38, chr7:754,730, plus strand): 5'-CCGACTGGGTGGTGGGGACCCGAGTGAAGTCGGCACAGCTGCTCCCAGTGCTGCTGCTGC[A>G]TGCCGAGGACCACGCCACGCAGCACCTGGAGGTCGTCCTCCGGACCCTGTTCCAGGCCTG-3'
Protein context (NP_060272.3, residues 379-399): SAQLLPVLLL[His389Arg]AEDHATQHLE